The following is an entry in ClinVar:

NM_007129.5(ZIC2):c.1307C>T (p.Thr436Met)

Gene: ZIC2 (Zic family zinc finger 2; plus strand). Cytogenetic location: 13q32.3.
Variant type: single nucleotide variant.
Coding change: c.1307C>T on transcript NM_007129.5 (MANE Select); coding-DNA position 1307, C replaced by T.
Protein change: p.Thr436Met; replaces threonine 436 with methionine.
Molecular consequence: missense variant.
Genome position (GRCh38, 1-based): chr13:99,985,390, C>T. VCF-style: chr13-99985390-C-T. GRCh37 (hg19) VCF-style: chr13-100637644-C-T.
Other names: short protein forms T436M.
Identifiers: ClinVar variation 1350882 (VCV001350882.8), dbSNP rs2152163743, ClinGen allele CA388639302.

ClinVar aggregate classification (germline): Uncertain significance (1 of 4 stars; one submission).

Conditions:
Holoprosencephaly 5 (HPE5). Identifiers: Orphanet 2162, MedGen C1864827, MONDO:0012322, OMIM 609637.

Submission:

Labcorp Genetics (formerly Invitae), Labcorp
Classification: Uncertain significance for Holoprosencephaly 5. Last evaluated: 2022-08-09. Review status: criteria provided, single submitter. Criteria: Invitae Variant Classification Sherloc (09022015). Collection method: clinical testing. Allele origin: germline.
Comment: In summary, the available evidence is currently insufficient to determine the role of this variant in disease. Therefore, it has been classified as a Variant of Uncertain Significance. Algorithms developed to predict the effect of missense changes on protein structure and function are either unavailable or do not agree on the potential impact of this missense change (SIFT: "Deleterious"; PolyPhen-2: "Probably Damaging"; Align-GVGD: "Class C0"). ClinVar contains an entry for this variant (Variation ID: 1350882). This variant has not been reported in the literature in individuals affected with ZIC2-related conditions. This variant is not present in population databases (gnomAD no frequency). This sequence change replaces threonine, which is neutral and polar, with methionine, which is neutral and non-polar, at codon 436 of the ZIC2 protein (p.Thr436Met).